The following is an entry in ClinVar:

NM_001457.4(FLNB):c.1588G>C (p.Gly530Arg)

Gene: FLNB (filamin B; plus strand). Cytogenetic location: 3p14.3.
Variant type: single nucleotide variant.
Coding change: c.1588G>C on transcript NM_001457.4 (MANE Select); coding-DNA position 1588, G replaced by C.
Protein change: p.Gly530Arg; replaces glycine 530 with arginine.
Molecular consequence: missense variant.
Genome position (GRCh38, 1-based): chr3:58,104,063, G>C. VCF-style: chr3-58104063-G-C. GRCh37 (hg19) VCF-style: chr3-58089790-G-C.
Other names: c.1588G>C, p.Gly530Arg (NM_001164317.2, NM_001164318.2, NM_001164319.2); c.1588G>C (NM_001457.3); short protein forms G530R.
Identifiers: ClinVar variation 3718728 (VCV003718728.3).

ClinVar aggregate classification (germline): Conflicting classifications of pathogenicity. Review status: criteria provided, conflicting classifications (1 of 4 stars). 2 submissions from 2 submitters: Uncertain significance (1); Likely benign (1). Last evaluated 2025-12-08.

Conditions:
Inborn genetic diseases. Identifiers: MedGen C0950123, MeSH D030342.

gnomAD v4.1: 77 of 1,613,982 alleles (0.0048%); highest among the groups gnomAD compares: South Asian, 0.052%; no homozygotes.

Submissions (2):

Ambry Genetics
Classification: Likely benign for Inborn genetic diseases. Last evaluated: 2025-12-08. Review status: criteria provided, single submitter. Criteria: Ambry Variant Classification Scheme 2023. Collection method: clinical testing. Allele origin: germline.

Labcorp Genetics (formerly Invitae), Labcorp
Classification: Uncertain significance. Last evaluated: 2024-10-03. Review status: criteria provided, single submitter. Criteria: Invitae Variant Classification Sherloc (09022015). Collection method: clinical testing. Allele origin: germline.
Comment: This sequence change replaces glycine, which is neutral and non-polar, with arginine, which is basic and polar, at codon 530 of the FLNB protein (p.Gly530Arg). This variant is present in population databases (rs773943113, gnomAD 0.06%). This variant has not been reported in the literature in individuals affected with FLNB-related conditions. Invitae Evidence Modeling of protein sequence and biophysical properties (such as structural, functional, and spatial information, amino acid conservation, physicochemical variation, residue mobility, and thermodynamic stability) has been performed for this missense variant. However, the output from this modeling did not meet the statistical confidence thresholds required to predict the impact of this variant on FLNB protein function. In summary, the available evidence is currently insufficient to determine the role of this variant in disease. Therefore, it has been classified as a Variant of Uncertain Significance.